The following is an entry in ClinVar:

ClinVar aggregate classification (germline): Pathogenic (1 of 4 stars; one submission).

Conditions:
Nemaline myopathy 10 (NEM10). Identifiers: MedGen C4015360, MONDO:0014513, OMIM 616165.

Submission:

Labcorp Genetics (formerly Invitae), Labcorp
Classification: Pathogenic for Nemaline myopathy 10. Last evaluated: 2025-11-16. Review status: criteria provided, single submitter. Criteria: Invitae Variant Classification Sherloc (09022015). Collection method: clinical testing. Allele origin: germline.
Comment: This sequence change creates a premature translational stop signal (p.Glu107*) in the LMOD3 gene. It is expected to result in an absent or disrupted protein product. Loss-of-function variants in LMOD3 are known to be pathogenic (PMID: 25250574). This variant is not present in population databases (gnomAD no frequency). This variant has not been reported in the literature in individuals affected with LMOD3-related conditions. For these reasons, this variant has been classified as Pathogenic.

Literature cited by the submitters: PubMed 25250574.

NM_198271.5(LMOD3):c.319G>T (p.Glu107Ter)

Gene: LMOD3 (leiomodin 3; minus strand). Cytogenetic location: 3p14.1.
Variant type: single nucleotide variant.
Coding change: c.319G>T on transcript NM_198271.5 (MANE Select); coding-DNA position 319, G replaced by T.
Protein change: p.Glu107Ter; replaces glutamic acid 107 with a stop codon.
Molecular consequence: nonsense.
Genome position (GRCh38, 1-based): chr3:69,120,036, C>A on the plus strand (G>T on the coding strand, the complement: LMOD3 is on the minus strand). VCF-style: chr3-69120036-C-A. GRCh37 (hg19) VCF-style: chr3-69169187-C-A.
Other names: c.319G>T, p.Glu107Ter (NM_001304418.3); short protein forms E107*.
Identifiers: ClinVar variation 4731299 (VCV004731299.1).